The following is an entry in ClinVar:

ClinVar aggregate classification (germline): Conflicting classifications of pathogenicity. Review status: criteria provided, conflicting classifications (1 of 4 stars). 4 submissions from 4 submitters: Likely pathogenic (1); Uncertain significance (2). 1 of the submissions does not count toward it. Last evaluated 2024-09-28.

Conditions:
Hereditary factor VIII deficiency disease (HEMA). Also called: HEMOPHILIA, CLASSIC; Hemophilia A; Hemophilia A, congenital; HEM A; Factor 8 deficiency, congenital; AUTOSOMAL HEMOPHILIA A. Identifiers: Orphanet 98878, MedGen C0019069, MONDO:0010602, OMIM 306700.

Allele frequency attached by ClinVar (database versions not stated): gnomAD 0.00001 and 0.00002; ExAC 0.00003; TOPMed 0.00007.
gnomAD v4.1: 30 of 1,209,643 alleles (0.0025%); highest among the groups gnomAD compares: Middle Eastern, 0.023%; no homozygotes.

Submissions (4):

MVZ Martinsried, Medicover Genetics
Classification: Likely pathogenic for Hereditary factor VIII deficiency disease. Last evaluated: 2024-09-28. Review status: criteria provided, single submitter. Criteria: ACGS Guidelines, 2020. Collection method: clinical testing. Allele origin: unknown. Affected: yes.

Blueprint Genetics
Classification: Uncertain significance. Last evaluated: 2023-01-25. Review status: criteria provided, single submitter. Criteria: ACMG Guidelines, 2015. Collection method: clinical testing. Allele origin: germline.

Victorian Clinical Genetics Services, Murdoch Childrens Research Institute
Classification: Uncertain significance for Hereditary factor VIII deficiency disease. Last evaluated: 2020-10-19. Review status: criteria provided, single submitter. Criteria: ACMG Guidelines, 2015. Collection method: clinical testing. Allele origin: germline. Inheritance: X-linked recessive inheritance.
Comment: Based on the classification scheme VCGS_Germline_v1.3.3, this variant is classified as 3A-VUS. Following criteria are met: 0102 - Loss of function is a known mechanism of disease in this gene and is associated with Haemophilia A (MIM#306700). (I) 0109 - This gene is associated with X-linked recessive disease. (I) 0200 - Variant is predicted to result in a missense amino acid change from arginine to histidine. (I) 0251 - This variant is heterozygous. (I) 0304 - Variant is present in gnomAD v2 <0.01 for a recessive condition (4 heterozygotes, 0 homozygotes, 1 hemizygote). (SP) 0309 - Two alternative amino acid changes at the same position have been observed in gnomAD v2 (highest allele count: 1 heterozygote, 0 homozygotes, 3 hemizygotes). (I) 0504 - Same amino acid change has been observed in placental mammals. (SB) 0600 - Variant is located in the annotated interface residue within the fourth cupredoxin domain (NCBI). (I) 0702 - Other missense variants comparable to the one identified in this case have strong previous evidence for pathogenicity. Alternative changes (p.Arg612Cys, p.Arg612Pro, p.Arg612Leu) have been reported as pathogenic and in multiple patients with Haemophilia A (ClinVar, PMID: 19448530, Al-Allaf, FA. et al. (2017). However, these alternative changes have a greater biochemical change (Grantham score) and this residue is poorly conserved. (I) 0809 - Previous evidence of pathogenicity for this variant is inconclusive. This variant has been reported as a VUS (LOVD). (I) 0905 - No published segregation evidence has been identified for this variant. (I) 1007 - No published functional evidence has been identified for this variant. (I) 1208 - Inheritance information for this variant is not currently available in this individual. (I) Legend: (SP) - Supporting pathogenic, (I) - Information, (SB) - Supporting benign

Department of Pathology and Laboratory Medicine, Sinai Health System
Classification: Uncertain significance. Review status: no assertion criteria provided. Collection method: clinical testing. Allele origin: unknown. Affected: yes. Study: The Canadian Open Genetics Repository (COGR). Not counted in ClinVar's aggregate classification.

Literature cited by the submitters: PubMed 19448530 (cited by Victorian Clinical Genetics Services, Murdoch Childrens Research Institute).

NM_000132.4(F8):c.1835G>A (p.Arg612His)

Gene: F8 (coagulation factor VIII; minus strand). Cytogenetic location: Xq28.
Variant type: single nucleotide variant.
Coding change: c.1835G>A on transcript NM_000132.4 (MANE Select); coding-DNA position 1835, G replaced by A.
Protein change: p.Arg612His; replaces arginine 612 with histidine.
Molecular consequence: missense variant.
Genome position (GRCh38, 1-based): chrX:154,953,960, C>T on the plus strand (G>A on the coding strand, the complement: F8 is on the minus strand). VCF-style: chrX-154953960-C-T. GRCh37 (hg19) VCF-style: chrX-154182235-C-T.
Other names: short protein forms R612H.
Identifiers: ClinVar variation 1050180 (VCV001050180.4), dbSNP rs782473762, ClinGen allele CA10568394.
Genomic context (GRCh38, chrX:154,953,960, plus strand): 5'-ATGTTGGAGGCTTGGAACTCTGGATCCTCAAGCTGCACTCCAGCTGGATTGGGGAGAAAG[C>T]GTTGTATATTCTCTGTGAGGTACCAGCTTCGGTTCTCATCAAATACAGAAAACAGGATGA-3'
Protein context (NP_000123.1, residues 602-622): RSWYLTENIQ[Arg612His]FLPNPAGVQL